The following is an entry in ClinVar:

NM_001851.6(COL9A1):c.2403dup (p.Gly802fs)

Gene: COL9A1 (collagen type IX alpha 1 chain; minus strand). Cytogenetic location: 6q13.
Variant type: Duplication.
Coding change: c.2403dup on transcript NM_001851.6 (MANE Select); coding-DNA position 2403, one base duplicated (C; older notation c.2403dupC).
Protein change: p.Gly802fs; shifts the reading frame from glycine 802.
Molecular consequence: frameshift variant. On other transcripts: non-coding transcript variant (1).
Genome position (GRCh38, 1-based): chr6:70,232,683, G duplicated on the plus strand (C on the coding strand, the reverse complement: COL9A1 is on the minus strand); the first of 6 consecutive G bases (chr6:70,232,683-70,232,688); duplicating any one gives the same sequence. VCF-style (leftmost placement, unchanged base first): chr6-70232682-C-CG. GRCh37 (hg19) VCF-style: chr6-70942385-C-CG.
Other names: c.1704dup, p.Gly569fs (NM_001377289.1); c.1527dup, p.Gly510fs (NM_001377290.1); c.1674dup, p.Gly559fs (NM_078485.4); short protein forms G510fs, G569fs, G802fs, G559fs.
Identifiers: ClinVar variation 2119491 (VCV002119491.4), dbSNP rs2483175972, ClinGen allele CA2580075704.

ClinVar aggregate classification (germline): Pathogenic (1 of 4 stars; one submission).

Submission:

Labcorp Genetics (formerly Invitae), Labcorp
Classification: Pathogenic. Last evaluated: 2022-03-29. Review status: criteria provided, single submitter. Criteria: Invitae Variant Classification Sherloc (09022015). Collection method: clinical testing. Allele origin: germline.
Comment: For these reasons, this variant has been classified as Pathogenic. This variant has not been reported in the literature in individuals affected with COL9A1-related conditions. This variant is not present in population databases (gnomAD no frequency). This sequence change creates a premature translational stop signal (p.Gly802Argfs*21) in the COL9A1 gene. It is expected to result in an absent or disrupted protein product. Loss-of-function variants in COL9A1 are known to be pathogenic (PMID: 16909383, 21421862).

Literature cited by the submitters: PubMed 16909383; PubMed 21421862.